The following is an entry in ClinVar:

ClinVar aggregate classification (germline): Pathogenic. Review status: criteria provided, multiple submitters, no conflicts (2 of 4 stars). 3 submissions from 3 submitters: Pathogenic (3). Last evaluated 2023-10-28.

Conditions:
CDH23-related disorder. Also called: CDH23-related disorders; CDH23-related condition.
Pituitary adenoma 5, multiple types. Identifiers: MedGen C4539685, MONDO:0054601, OMIM 617540.

gnomAD v4.1: 1 of 1,613,840 alleles (0.000062%); highest among the groups gnomAD compares: Non-Finnish European, 0.000085%; no homozygotes.

Submissions (3):

Baylor Genetics
Classification: Pathogenic for Pituitary adenoma 5, multiple types. Last evaluated: 2023-10-28. Review status: criteria provided, single submitter. Criteria: ACMG Guidelines, 2015. Collection method: clinical testing. Allele origin: unknown.

Labcorp Genetics (formerly Invitae), Labcorp
Classification: Pathogenic. Last evaluated: 2022-09-19. Review status: criteria provided, single submitter. Criteria: Invitae Variant Classification Sherloc (09022015). Collection method: clinical testing. Allele origin: germline.
Comment: For these reasons, this variant has been classified as Pathogenic. ClinVar contains an entry for this variant (Variation ID: 1457569). This premature translational stop signal has been observed in individual(s) with Usher syndrome (PMID: 12075507). This variant is not present in population databases (gnomAD no frequency). This sequence change creates a premature translational stop signal (p.Glu2103*) in the CDH23 gene. It is expected to result in an absent or disrupted protein product. Loss-of-function variants in CDH23 are known to be pathogenic (PMID: 11138009, 21940737).

Blueprint Genetics
Classification: Pathogenic for CDH23-related disorders. Last evaluated: 2019-11-07. Review status: criteria provided, single submitter. Criteria: ACMG Guidelines, 2015. Collection method: clinical testing. Allele origin: germline. Affected: yes. Observed: 1 variant allele.

Literature cited by the submitters: PubMed 12075507 (cited by Labcorp Genetics (formerly Invitae), Labcorp); PubMed 11138009 (cited by Labcorp Genetics (formerly Invitae), Labcorp); PubMed 21940737 (cited by Labcorp Genetics (formerly Invitae), Labcorp).

NM_022124.6(CDH23):c.6307G>T (p.Glu2103Ter)

Gene: CDH23 (cadherin related 23; plus strand). Cytogenetic location: 10q22.1.
Variant type: single nucleotide variant.
Coding change: c.6307G>T on transcript NM_022124.6 (MANE Select); coding-DNA position 6307, G replaced by T.
Protein change: p.Glu2103Ter; replaces glutamic acid 2103 with a stop codon.
Molecular consequence: nonsense.
Genome position (GRCh38, 1-based): chr10:71,793,235, G>T. VCF-style: chr10-71793235-G-T. GRCh37 (hg19) VCF-style: chr10-73552992-G-T.
Other names: short protein forms E2103*.
Identifiers: ClinVar variation 1457569 (VCV001457569.8), dbSNP rs1397549896, ClinGen allele CA377154196.
Genomic context (GRCh38, chr10:71,793,235, plus strand): 5'-CCAACAGGATTCTCAGTCCTTCAAGTCACAGCCACAGATGAGGACAGTGGCCTCAATGGG[G>T]AGCTGGTCTACCGAATAGAAGCTGGGGCTCAGGACCGCTTCCTCATTCATCTGGTCACCG-3'